The following is an entry in ClinVar:

ClinVar aggregate classification (germline): Pathogenic. Review status: criteria provided, multiple submitters, no conflicts (2 of 4 stars). 2 submissions from 2 submitters: Pathogenic (2). Last evaluated 2021-12-08.

Conditions:
Hereditary nonpolyposis colorectal neoplasms. Identifiers: MedGen C0009405, MeSH D003123.
Hereditary cancer-predisposing syndrome. Also called: Neoplastic Syndromes, Hereditary; Tumor predisposition; Hereditary neoplastic syndrome; Hereditary Cancer Syndrome. Identifiers: Orphanet 140162, MedGen C0027672, MeSH D009386, MONDO:0015356.

Submissions (2):

Labcorp Genetics (formerly Invitae), Labcorp
Classification: Pathogenic for Hereditary nonpolyposis colorectal neoplasms. Last evaluated: 2021-12-08. Review status: criteria provided, single submitter. Criteria: Invitae Variant Classification Sherloc (09022015). Collection method: clinical testing. Allele origin: germline.
Comment: This sequence change creates a premature translational stop signal (p.Ala1204Glufs*12) in the MSH6 gene. It is expected to result in an absent or disrupted protein product. Loss-of-function variants in MSH6 are known to be pathogenic (PMID: 18269114, 24362816). This variant is not present in population databases (gnomAD no frequency). For these reasons, this variant has been classified as Pathogenic. This variant has not been reported in the literature in individuals affected with MSH6-related conditions.

Ambry Genetics
Classification: Pathogenic for Hereditary cancer-predisposing syndrome. Last evaluated: 2021-05-28. Review status: criteria provided, single submitter. Criteria: Ambry Variant Classification Scheme 2023. Collection method: clinical testing. Allele origin: germline.
Comment: The c.3611delC pathogenic mutation, located in coding exon 7 of the MSH6 gene, results from a deletion of one nucleotide at nucleotide position 3611, causing a translational frameshift with a predicted alternate stop codon (p.A1204Efs*12). This alteration is expected to result in loss of function by premature protein truncation or nonsense-mediated mRNA decay. As such, this alteration is interpreted as a disease-causing mutation.

Literature cited by the submitters: PubMed 18269114 (cited by Labcorp Genetics (formerly Invitae), Labcorp); PubMed 24362816 (cited by Labcorp Genetics (formerly Invitae), Labcorp).

NM_000179.3(MSH6):c.3611del (p.Ala1204fs)

Gene: MSH6 (mutS homolog 6; plus strand). Cytogenetic location: 2p16.3.
Variant type: Deletion.
Coding change: c.3611del on transcript NM_000179.3 (MANE Select); coding-DNA position 3611, one base deleted (C; older notation c.3611delC).
Protein change: p.Ala1204fs; shifts the reading frame from alanine 1204.
Molecular consequence: frameshift variant.
Genome position (GRCh38, 1-based): chr2:47,805,672, C deleted. VCF-style (leftmost placement, unchanged base first): chr2-47805671-GC-G. GRCh37 (hg19) VCF-style: chr2-48032810-GC-G.
Other names: c.3221del, p.Ala1074fs (NM_001281492.2); c.2705del, p.Ala902fs (NM_001281493.2, NM_001281494.2); short protein forms A1204fs, A1074fs, A902fs.
Identifiers: ClinVar variation 1372790 (VCV001372790.8), dbSNP rs2104524766, ClinGen allele CA2573134750.